The following is an entry in ClinVar:

NM_006329.4(FBLN5):c.125-1200C>G

Gene: FBLN5 (fibulin 5; minus strand). Cytogenetic location: 14q32.12.
Variant type: single nucleotide variant.
Coding change: c.125-1200C>G on transcript NM_006329.4 (MANE Select); 1200 bases into the intron before coding-DNA position 125, C replaced by G.
Molecular consequence: intron variant. On other transcripts: missense variant (1).
Genome position (GRCh38, 1-based): chr14:91,938,401, G>C on the plus strand (C>G on the coding strand, the complement: FBLN5 is on the minus strand). VCF-style: chr14-91938401-G-C. GRCh37 (hg19) VCF-style: chr14-92404745-G-C.
Other names: c.176C>G, p.Ala59Gly (NM_001384158.1); c.125-1200C>G (NM_001384160.1); c.-44-1200C>G (NM_001384162.1, NM_001384161.1); c.176-1200C>G (NM_001384159.1); short protein forms A59G.
Identifiers: ClinVar variation 3026369 (VCV003026369.22), dbSNP rs748670967, ClinGen allele CA7312935.

ClinVar aggregate classification (germline): Likely benign (1 of 4 stars; one submission).

Allele frequency attached by ClinVar (database versions not stated): gnomAD 0.00038; TOPMed 0.00045; gnomAD exomes 0.00082.
gnomAD v4.1: 62 of 157,254 alleles (0.039%); highest among the groups gnomAD compares: Non-Finnish European, 0.08%; no homozygotes.

Submission:

CeGaT Center for Human Genetics Tuebingen
Classification: Likely benign. Last evaluated: 2026-09-01. Review status: criteria provided, single submitter. Criteria: CeGaT Center For Human Genetics Tuebingen Variant Classification Criteria Version 2. Collection method: clinical testing. Allele origin: germline. Affected: yes. Observed: 6 variant alleles.
Comment: FBLN5: BP4